The following is an entry in ClinVar:

ClinVar aggregate classification (germline): Uncertain significance (1 of 4 stars; one submission).

gnomAD v4.1: 1 of 1,604,326 alleles (0.000062%); highest among the groups gnomAD compares: South Asian, 0.0011%; no homozygotes.

Submission:

Labcorp Genetics (formerly Invitae), Labcorp
Classification: Uncertain significance. Last evaluated: 2024-01-26. Review status: criteria provided, single submitter. Criteria: Invitae Variant Classification Sherloc (09022015). Collection method: clinical testing. Allele origin: germline.
Comment: This sequence change falls in intron 5 of the IKZF1 gene. It does not directly change the encoded amino acid sequence of the IKZF1 protein. It affects a nucleotide within the consensus splice site. This variant is not present in population databases (gnomAD no frequency). This variant has not been reported in the literature in individuals affected with IKZF1-related conditions. Variants that disrupt the consensus splice site are a relatively common cause of aberrant splicing (PMID: 17576681, 9536098). Algorithms developed to predict the effect of sequence changes on RNA splicing suggest that this variant is not likely to affect RNA splicing. In summary, the available evidence is currently insufficient to determine the role of this variant in disease. Therefore, it has been classified as a Variant of Uncertain Significance.

Literature cited by the submitters: PubMed 17576681; PubMed 9536098.

NM_006060.6(IKZF1):c.589+4G>C

Gene: IKZF1 (IKAROS family zinc finger 1; plus strand). Cytogenetic location: 7p12.2.
Variant type: single nucleotide variant.
Coding change: c.589+4G>C on transcript NM_006060.6 (MANE Select); 4 bases into the intron after coding-DNA position 589, G replaced by C.
Molecular consequence: intron variant.
Genome position (GRCh38, 1-based): chr7:50,382,711, G>C. VCF-style: chr7-50382711-G-C. GRCh37 (hg19) VCF-style: chr7-50450409-G-C.
Other names: c.649+4G>C (NM_001410879.1); c.328+4G>C (NM_001291839.2, NM_001291838.2, NM_001220767.2 and 1 more transcripts); c.589+4G>C (NM_001220765.3, NM_001291837.2, NM_001220768.2); c.421+5918G>C (NM_001220771.2); c.161-4634G>C (NM_001291841.1, NM_001291842.1); c.161-9018G>C (NM_001291843.1, NM_001291844.1); c.161-17207G>C (NM_001291840.1).
Identifiers: ClinVar variation 2712454 (VCV002712454.3), dbSNP rs2153478201, ClinGen allele CA2682806553.